The following is an entry in ClinVar:

ClinVar aggregate classification (germline): Uncertain significance. Review status: criteria provided, multiple submitters, no conflicts (2 of 4 stars). 2 submissions from 2 submitters: Uncertain significance (2). Last evaluated 2021-07-06.

Conditions:
Hereditary cancer-predisposing syndrome. Also called: Tumor predisposition; Neoplastic Syndromes, Hereditary; Hereditary neoplastic syndrome; Hereditary Cancer Syndrome. Identifiers: Orphanet 140162, MedGen C0027672, MeSH D009386, MONDO:0015356.

Submissions (2):

Ambry Genetics
Classification: Uncertain significance for Hereditary cancer-predisposing syndrome. Last evaluated: 2021-07-06. Review status: criteria provided, single submitter. Criteria: Ambry Variant Classification Scheme 2023. Collection method: clinical testing. Allele origin: germline.
Comment: The p.Y1753S variant (also known as c.5258A>C), located in coding exon 34 of the ATM gene, results from an A to C substitution at nucleotide position 5258. The tyrosine at codon 1753 is replaced by serine, an amino acid with dissimilar properties. In a study of whole-exome sequencing in patients with features of Cowden syndrome (CS) or Bannayan-Riley-Ruvalcaba syndrome (BRRS) and negative PTEN testing, this alteration was identified in 0/87 patients with CS or BRRS and 1/3476 patients from The Cancer Genome Atlas (TCGA) (Yehia L et al. PLoS Genet, 2018 04;14:e1007352). This amino acid position is well conserved in available vertebrate species. In addition, the in silico prediction for this alteration is inconclusive. Since supporting evidence is limited at this time, the clinical significance of this alteration remains unclear.

Color Diagnostics, LLC DBA Color Health
Classification: Uncertain significance for Hereditary cancer-predisposing syndrome. Last evaluated: 2019-10-08. Review status: criteria provided, single submitter. Criteria: ACMG Guidelines, 2015. Collection method: clinical testing. Allele origin: germline.
Comment: This missense variant replaces tyrosine with serine at codon 1753 of the ATM protein. Computational prediction suggests that this variant may not impact protein structure and function (internally defined REVEL score threshold <= 0.5, PMID: 27666373). Splice site prediction tools suggest that this variant may not impact RNA splicing. To our knowledge, functional studies have not been performed for this variant. This variant has not been reported in individuals affected with hereditary cancer in the literature. This variant has not been identified in the general population by the Genome Aggregation Database (gnomAD). The available evidence is insufficient to determine the role of this variant in disease conclusively. Therefore, this variant is classified as a Variant of Uncertain Significance.

Literature cited by the submitters: PubMed 29684080 (cited by Ambry Genetics).

NM_000051.4(ATM):c.5258A>C (p.Tyr1753Ser)

Gene: ATM (ATM serine/threonine kinase; plus strand). Cytogenetic location: 11q22.3.
Variant type: single nucleotide variant.
Coding change: c.5258A>C on transcript NM_000051.4 (MANE Select); coding-DNA position 5258, A replaced by C.
Protein change: p.Tyr1753Ser; replaces tyrosine 1753 with serine.
Molecular consequence: missense variant.
Genome position (GRCh38, 1-based): chr11:108,301,728, A>C. VCF-style: chr11-108301728-A-C. GRCh37 (hg19) VCF-style: chr11-108172455-A-C.
Other names: c.5258A>C, p.Tyr1753Ser (NM_001351834.2); short protein forms Y1753S.
Identifiers: ClinVar variation 631115 (VCV000631115.6), dbSNP rs777481236, ClinGen allele CA382542517.
Genomic context (GRCh38, chr11:108,301,728, plus strand): 5'-CTGTTACCTGTTTGAAAAACATTTTAGCCACAAAGACTGGACATAGTTTCTGGGAGATTT[A>C]TAAGATGACAACAGATCCAATGCTGGCCTATCTACAGCCTTTTAGAACATCAAGAAAAAA-3'
Protein context (NP_000042.3, residues 1743-1763): TKTGHSFWEI[Tyr1753Ser]KMTTDPMLAY